The following is an entry in ClinVar:

NM_207122.2(EXT2):c.710C>T (p.Ser237Leu)

Gene: EXT2 (exostosin glycosyltransferase 2; plus strand). Cytogenetic location: 11p11.2.
Variant type: single nucleotide variant.
Coding change: c.710C>T on transcript NM_207122.2 (MANE Select); coding-DNA position 710, C replaced by T.
Protein change: p.Ser237Leu; replaces serine 237 with leucine.
Molecular consequence: missense variant.
Genome position (GRCh38, 1-based): chr11:44,114,268, C>T. VCF-style: chr11-44114268-C-T. GRCh37 (hg19) VCF-style: chr11-44135818-C-T.
Other names: c.710C>T (NM_001178083.1); c.809C>T, p.Ser270Leu (NM_000401.3); c.710C>T, p.Ser237Leu (NM_001178083.3, NM_001389628.1, NM_001389630.1); short protein forms S237L, S270L.
Identifiers: ClinVar variation 134212 (VCV000134212.50), dbSNP rs139525250, ClinGen allele CA159146.

ClinVar aggregate classification (germline): Conflicting classifications of pathogenicity. Review status: criteria provided, conflicting classifications (1 of 4 stars). 13 submissions from 13 submitters: Uncertain significance (1); Benign (3); Likely benign (5). 4 of the submissions do not count toward it. Last evaluated 2026-02-01.

Conditions:
Exostoses, multiple, type 2 (EXT2). Also called: EXOSTOSES, MULTIPLE, TYPE II; Hereditary Multiple Osteochondromatosis, Type II. Identifiers: Orphanet 321, MedGen C1851413, MONDO:0007586, OMIM 133701.

Allele frequency attached by ClinVar (database versions not stated): 1000 Genomes Project 0.00140; 1000 Genomes Project 30x 0.00141; TOPMed 0.00212; ESP Exome Variant Server 0.00223; gnomAD 0.00227 and 0.00236; gnomAD exomes 0.00269 and 0.00396; ExAC 0.00276.

Submissions (13):

Labcorp Genetics (formerly Invitae), Labcorp
Classification: Benign for Exostoses, multiple, type 2. Last evaluated: 2026-02-01. Review status: criteria provided, single submitter. Criteria: Invitae Variant Classification Sherloc (09022015). Collection method: clinical testing. Allele origin: germline.

Dasa
Classification: Likely benign. Last evaluated: 2025-11-25. Review status: criteria provided, single submitter. Criteria: DASA Assertion Criteria. Collection method: clinical testing. Allele origin: germline.
Comment: NM_207122.2(EXT2):c.710C>T (p.Ser237Leu) is a missense variant that results in the substitution of serine with leucine. Population frequency is inconsistent with a disease-causing role for this variant. Therefore, based on the currently available evidence, this variant is classified as likely benign.

CeGaT Center for Human Genetics Tuebingen
Classification: Benign. Last evaluated: 2025-11-01. Review status: criteria provided, single submitter. Criteria: CeGaT Center For Human Genetics Tuebingen Variant Classification Criteria Version 2. Collection method: clinical testing. Allele origin: germline. Affected: yes. Observed: 4 variant alleles.
Comment: EXT2: BS1, BS2

Blueprint Genetics
Classification: Likely benign. Last evaluated: 2024-11-22. Review status: criteria provided, single submitter. Criteria: ACMG Guidelines, 2015. Collection method: clinical testing. Allele origin: germline.

Institute for Clinical Genetics, University Hospital TU Dresden, University Hospital TU Dresden
Classification: Uncertain significance. Last evaluated: 2021-11-03. Review status: criteria provided, single submitter. Criteria: ACMG Guidelines, 2015. Collection method: clinical testing. Allele origin: germline.

Mendelics
Classification: Likely benign for Exostoses, multiple, type 2. Last evaluated: 2019-05-28. Review status: criteria provided, single submitter. Criteria: Mendelics Assertion Criteria 2017. Collection method: clinical testing. Allele origin: unknown.

GeneDx
Classification: Likely benign. Last evaluated: 2017-11-24. Review status: criteria provided, single submitter. Criteria: GeneDx Variant Classification (06012015). Collection method: clinical testing. Allele origin: germline. Affected: yes.
Comment: This variant is considered likely benign or benign based on one or more of the following criteria: it is a conservative change, it occurs at a poorly conserved position in the protein, it is predicted to be benign by multiple in silico algorithms, and/or has population frequency not consistent with disease.

Illumina Laboratory Services, Illumina
Classification: Likely benign for Exostoses, multiple, type 2. Last evaluated: 2017-04-27. Review status: criteria provided, single submitter. Criteria: ICSL Variant Classification Criteria 13 December 2019. Collection method: clinical testing. Allele origin: germline.
Comment: This variant was observed as part of a predisposition screen in an ostensibly healthy population. A literature search was performed for the gene, cDNA change, and amino acid change (where applicable). No publications were found based on this search. Allele frequency data from public databases allowed determination this variant is unlikely to cause disease. Therefore, this variant is classified as likely benign.

Eurofins Ntd Llc (ga)
Classification: Benign. Last evaluated: 2015-07-10. Review status: criteria provided, single submitter. Criteria: EGL Classification Definitions 2015. Collection method: clinical testing. Allele origin: germline. Observed: 3 variant alleles, 3 heterozygotes.

ITMI
No classification provided. Condition: AllHighlyPenetrant. Last evaluated: 2013-09-19. Review status: no classification provided. Collection method: reference population. Allele origin: germline. Not counted in ClinVar's aggregate classification.
Comment: Please see associated publication for description of ethnicities

Clinical Genetics DNA and cytogenetics Diagnostics Lab, Erasmus MC, Erasmus Medical Center
Classification: Likely benign. Review status: no assertion criteria provided. Collection method: clinical testing. Allele origin: germline. Affected: yes. Study: VKGL Data-share Consensus. Not counted in ClinVar's aggregate classification.

Genome Diagnostics Laboratory, Amsterdam University Medical Center
Classification: Likely benign. Review status: no assertion criteria provided. Collection method: clinical testing. Allele origin: germline. Affected: yes. Study: VKGL Data-share Consensus. Not counted in ClinVar's aggregate classification.

Laboratory of Diagnostic Genome Analysis, Leiden University Medical Center (LUMC)
Classification: Likely benign. Review status: no assertion criteria provided. Collection method: clinical testing. Allele origin: germline. Affected: yes. Study: VKGL Data-share Consensus. Not counted in ClinVar's aggregate classification.

Literature cited by the submitters: PubMed 16283885 (cited by Eurofins Ntd Llc (ga)); PubMed 24728327 (cited by Eurofins Ntd Llc (ga) and ITMI).